The following is an entry in ClinVar:

NM_178452.6(DNAAF1):c.218A>T (p.His73Leu)

Gene: DNAAF1 (dynein axonemal assembly factor 1; plus strand). Cytogenetic location: 16q24.1.
Variant type: single nucleotide variant.
Coding change: c.218A>T on transcript NM_178452.6 (MANE Select); coding-DNA position 218, A replaced by T.
Protein change: p.His73Leu; replaces histidine 73 with leucine.
Molecular consequence: missense variant.
Genome position (GRCh38, 1-based): chr16:84,149,100, A>T. VCF-style: chr16-84149100-A-T. GRCh37 (hg19) VCF-style: chr16-84182705-A-T.
Other names: short protein forms H73L.
Identifiers: ClinVar variation 2195073 (VCV002195073.1), dbSNP rs2087061568, ClinGen allele CA396940285.
Genomic context (GRCh38, chr16:84,149,100, plus strand): 5'-CTTCTGACACATCCTACCACAGCCAGCAGAAACAGAGTGGTGATAATGGGTCAGGTGGTC[A>T]CTTCGCACACCCAAGAGAAGACAGGGAAGATCGGGGCCCCAGGTATGTGGGCATACTCCT-3'
Protein context (NP_848547.4, residues 63-83): KQSGDNGSGG[His73Leu]FAHPREDRED

ClinVar aggregate classification (germline): Uncertain significance (1 of 4 stars; one submission).

Conditions:
Primary ciliary dyskinesia. Also called: Ciliary dyskinesia. Identifiers: Orphanet 244, MedGen C0008780, MONDO:0016575, HP:0012265.

Allele frequency attached by ClinVar (database versions not stated): TOPMed below 0.00001.
gnomAD v4.1: 38 of 1,614,160 alleles (0.0024%); highest among the groups gnomAD compares: Non-Finnish European, 0.0032%; no homozygotes.

Submission:

Labcorp Genetics (formerly Invitae), Labcorp
Classification: Uncertain significance for Primary ciliary dyskinesia. Last evaluated: 2022-07-06. Review status: criteria provided, single submitter. Criteria: Invitae Variant Classification Sherloc (09022015). Collection method: clinical testing. Allele origin: germline.
Comment: This sequence change replaces histidine, which is basic and polar, with leucine, which is neutral and non-polar, at codon 73 of the DNAAF1 protein (p.His73Leu). This variant is not present in population databases (gnomAD no frequency). This variant has not been reported in the literature in individuals affected with DNAAF1-related conditions. Algorithms developed to predict the effect of missense changes on protein structure and function (SIFT, PolyPhen-2, Align-GVGD) all suggest that this variant is likely to be tolerated. In summary, the available evidence is currently insufficient to determine the role of this variant in disease. Therefore, it has been classified as a Variant of Uncertain Significance.